The following is an entry in ClinVar:

ClinVar aggregate classification (germline): Uncertain significance (1 of 4 stars; one submission).

Allele frequency attached by ClinVar (database versions not stated): gnomAD exomes below 0.00001; TOPMed below 0.00001; gnomAD 0.00001.

Submission:

Labcorp Genetics (formerly Invitae), Labcorp
Classification: Uncertain significance. Last evaluated: 2020-03-23. Review status: criteria provided, single submitter. Criteria: Invitae Variant Classification Sherloc (09022015). Collection method: clinical testing. Allele origin: germline.
Comment: In summary, the available evidence is currently insufficient to determine the role of this variant in disease. Therefore, it has been classified as a Variant of Uncertain Significance. Algorithms developed to predict the effect of missense changes on protein structure and function are either unavailable or do not agree on the potential impact of this missense change (SIFT: "Deleterious"; PolyPhen-2: "Possibly Damaging"; Align-GVGD: "Class C0"). This variant has not been reported in the literature in individuals with CFAP410-related conditions. The frequency data for this variant in the population databases is considered unreliable, as metrics indicate insufficient coverage at this position in the ExAC database. This sequence change replaces threonine with alanine at codon 4 of the CFAP410 protein (p.Thr4Ala). The threonine residue is moderately conserved and there is a small physicochemical difference between threonine and alanine.

NM_004928.3(CFAP410):c.10A>G (p.Thr4Ala)

Genes: CFAP410 (cilia and flagella associated protein 410; minus strand), LOC130066823 (ATAC-STARR-seq lymphoblastoid silent region 13383; plus strand). Cytogenetic location: 21q22.3.
Variant type: single nucleotide variant.
Coding change: c.10A>G on transcript NM_004928.3 (MANE Select); coding-DNA position 10, A replaced by G.
Protein change: p.Thr4Ala; replaces threonine 4 with alanine.
Molecular consequence: missense variant.
Genome position (GRCh38, 1-based): chr21:44,339,185, T>C on the plus strand (A>G on the coding strand, the complement: CFAP410 is on the minus strand). VCF-style: chr21-44339185-T-C. GRCh37 (hg19) VCF-style: chr21-45759068-T-C.
Other names: c.10A>G, p.Thr4Ala (NM_001271440.2, NM_001271441.2); short protein forms T4A.
Identifiers: ClinVar variation 1047400 (VCV001047400.9), dbSNP rs1480306418, ClinGen allele CA410461474.
Genomic context (GRCh38, chr21:44,339,185, plus strand): 5'-TGAGCTTGCGCACGCTGTGCAGCTCCGAGGCCTTGGCCCGGGTCAGAACCATCTTCCGCG[T>C]CAGCTTCATGGCGGCCGCCCAGGCCCGACCGGCGGGCGCCCCCGGCCTCCTGATCCCGGG-3'
Protein context (NP_004919.1, residues 1-14): MKL[Thr4Ala]RKMVLTRAKA